The following is an entry in ClinVar:

ClinVar aggregate classification (germline): Benign (0 of 4 stars; one submission).

Conditions:
DHX34-related disorder. Also called: DHX34-related condition.

Allele frequency attached by ClinVar (database versions not stated): 1000 Genomes Project 30x 0.08495; 1000 Genomes Project 0.08726; ESP Exome Variant Server 0.11290; TOPMed 0.11982; gnomAD 0.12132; gnomAD exomes 0.14407; ExAC 0.16787.
gnomAD v4.1: 219,169 of 1,546,692 alleles (14%); highest among the groups gnomAD compares: Middle Eastern, 17%; 16,569 homozygotes.

Submission:

PreventionGenetics, part of Exact Sciences
Classification: Benign for DHX34-related condition. Last evaluated: 2019-10-30. Review status: no assertion criteria provided. Collection method: clinical testing. Allele origin: germline.
Comment: This variant is classified as benign based on ACMG/AMP sequence variant interpretation guidelines (Richards et al. 2015 PMID: 25741868, with internal and published modifications).

NM_014681.6(DHX34):c.2200C>T (p.Arg734Cys)

Gene: DHX34 (DExH-box helicase 34; plus strand). Cytogenetic location: 19q13.32.
Variant type: single nucleotide variant.
Coding change: c.2200C>T on transcript NM_014681.6 (MANE Select); coding-DNA position 2200, C replaced by T.
Protein change: p.Arg734Cys; replaces arginine 734 with cysteine.
Molecular consequence: missense variant.
Genome position (GRCh38, 1-based): chr19:47,375,601, C>T. VCF-style: chr19-47375601-C-T. GRCh37 (hg19) VCF-style: chr19-47878858-C-T.
Other names: short protein forms R734C.
Identifiers: ClinVar variation 3055698 (VCV003055698.2), dbSNP rs61751860, ClinGen allele CA9538397.